The following is an entry in ClinVar:

NM_000534.5(PMS1):c.793C>T (p.Arg265Ter)

Gene: PMS1 (PMS1 homolog 1, mismatch repair system component; plus strand). Cytogenetic location: 2q32.2.
Variant type: single nucleotide variant.
Coding change: c.793C>T on transcript NM_000534.5 (MANE Select); coding-DNA position 793, C replaced by T.
Protein change: p.Arg265Ter; replaces arginine 265 with a stop codon.
Molecular consequence: nonsense. On other transcripts: non-coding transcript variant (1).
Genome position (GRCh38, 1-based): chr2:189,852,748, C>T. VCF-style: chr2-189852748-C-T. GRCh37 (hg19) VCF-style: chr2-190717474-C-T.
Other names: c.676C>T, p.Arg226Ter (NM_001128143.2, NM_001321044.2); c.793C>T, p.Arg265Ter (NM_001128144.2, NM_001321045.2, NM_001321047.2 and 1 more transcripts); c.265C>T, p.Arg89Ter (NM_001289408.2, NM_001289409.2); c.610C>T, p.Arg204Ter (NM_001321046.2); short protein forms R204*, R226*, R265*, R89*.
Identifiers: ClinVar variation 2581027 (VCV002581027.2), dbSNP rs761558970, ClinGen allele CA2026524.
Genomic context (GRCh38, chr2:189,852,748, plus strand): 5'-GCAGACCACTCTTTCACTAGTCTTTCAACACCAGAAAGAAGTTTCATCTTCATAAACAGT[C>T]GACCAGTACATCAAAAAGATATCTTAAAGGTAGTATGCTTTAGAAAAAAAAAATTATTTG-3'

ClinVar aggregate classification (germline): Uncertain significance (1 of 4 stars; one submission).

Allele frequency attached by ClinVar (database versions not stated): gnomAD exomes below 0.00001; ExAC 0.00001; gnomAD 0.00002; TOPMed 0.00002.
gnomAD v4.1: 7 of 1,589,132 alleles (0.00044%); highest among the groups gnomAD compares: African/African-American, 0.0041%; no homozygotes.

Submission:

Dr. med. U. Finckh, Human Genetics, Eurofins MVZ
Classification: Uncertain significance. Last evaluated: 2023-08-14. Review status: criteria provided, single submitter. Criteria: ACMG Guidelines, 2015. Collection method: clinical testing. Allele origin: unknown. Observed: 1 heterozygote.
Comment: Currently, the evidence for a pathogenic relevance of PMS1 LOF variants is insufficient.